The following is an entry in ClinVar:

ClinVar aggregate classification (germline): Likely pathogenic (1 of 4 stars; one submission).

Conditions:
Ullrich congenital muscular dystrophy 2 (UCMD2). Identifiers: Orphanet 75840, MedGen C4225314, MONDO:0014654, OMIM 616470.
Bethlem myopathy 2 (BTHLM2). Identifiers: Orphanet 536516, Orphanet 610, MedGen C4225313, MONDO:0034022, OMIM 616471.

Submission:

Labcorp Genetics (formerly Invitae), Labcorp
Classification: Likely pathogenic for Bethlem myopathy 2; Ullrich congenital muscular dystrophy 2. Last evaluated: 2023-12-15. Review status: criteria provided, single submitter. Criteria: Invitae Variant Classification Sherloc (09022015). Collection method: clinical testing. Allele origin: germline.
Comment: This sequence change affects an acceptor splice site in intron 34 of the COL12A1 gene. It is expected to disrupt RNA splicing. Variants that disrupt the donor or acceptor splice site typically lead to a loss of protein function (PMID: 16199547), and loss-of-function variants in COL12A1 are known to be pathogenic (PMID: 24334604, 28973083). This variant is not present in population databases (gnomAD no frequency). This variant has not been reported in the literature in individuals affected with COL12A1-related conditions. Algorithms developed to predict the effect of sequence changes on RNA splicing suggest that this variant may disrupt the consensus splice site. In summary, the currently available evidence indicates that the variant is pathogenic, but additional data are needed to prove that conclusively. Therefore, this variant has been classified as Likely Pathogenic.

Literature cited by the submitters: PubMed 16199547; PubMed 24334604; PubMed 28973083.

NM_004370.6(COL12A1):c.5795-2A>C

Gene: COL12A1 (collagen type XII alpha 1 chain; minus strand). Cytogenetic location: 6q13.
Variant type: single nucleotide variant.
Coding change: c.5795-2A>C on transcript NM_004370.6 (MANE Select); the canonical splice acceptor site of the intron before coding-DNA position 5795, A replaced by C.
Molecular consequence: splice acceptor variant.
Genome position (GRCh38, 1-based): chr6:75,132,084, T>G on the plus strand (A>C on the coding strand, the complement: COL12A1 is on the minus strand). VCF-style: chr6-75132084-T-G. GRCh37 (hg19) VCF-style: chr6-75841800-T-G.
Other names: c.2303-2A>C (NM_001424116.1, NM_080645.3); c.5522-2A>C (NM_001424115.1); c.5774-2A>C (NM_001424114.1); c.5795-2A>C (NM_001424113.1).
Identifiers: ClinVar variation 2937364 (VCV002937364.3), dbSNP rs2533277727, ClinGen allele CA364733245.
Genomic context (GRCh38, chr6:75,132,084, plus strand): 5'-ATCGAGGCTGTTAGGTGTAGGATTGTATACTTGGACATTTCTTGCCAGTCCTCTCATCAC[T>G]GAGGAAATGAAGGCCAACATCTATTTTTTAAGTCTGTTTATATATCTCAAGCTTTTGTAT-3'